The following is an entry in ClinVar:

NM_001378183.1(PIEZO2):c.8078C>A (p.Pro2693Gln)

Gene: PIEZO2 (piezo type mechanosensitive ion channel component 2; minus strand). Cytogenetic location: 18p11.22.
Variant type: single nucleotide variant.
Coding change: c.8078C>A on transcript NM_001378183.1 (MANE Select); coding-DNA position 8078, C replaced by A.
Protein change: p.Pro2693Gln; replaces proline 2693 with glutamine.
Molecular consequence: missense variant.
Genome position (GRCh38, 1-based): chr18:10,677,750, G>T on the plus strand (C>A on the coding strand, the complement: PIEZO2 is on the minus strand). VCF-style: chr18-10677750-G-T. GRCh37 (hg19) VCF-style: chr18-10677747-G-T.
Other names: c.7814C>A, p.Pro2605Gln (NM_001410871.1); c.7739C>A, p.Pro2580Gln (NM_022068.4); short protein forms P2580Q, P2605Q, P2693Q.
Identifiers: ClinVar variation 3766149 (VCV003766149.1).

ClinVar aggregate classification (germline): Uncertain significance (1 of 4 stars; one submission).

Submission:

GeneDx
Classification: Uncertain significance. Last evaluated: 2024-09-02. Review status: criteria provided, single submitter. Criteria: GeneDx Variant Classification Process June 2021. Collection method: clinical testing. Allele origin: germline. Affected: yes.
Comment: Not observed at significant frequency in large population cohorts (gnomAD); In silico analysis supports that this missense variant has a deleterious effect on protein structure/function; Has not been previously published as pathogenic or benign to our knowledge